The following is an entry in ClinVar:

NM_177398.4(LMX1A):c.1059A>G (p.Leu353=)

Gene: LMX1A (LIM homeobox transcription factor 1 alpha; minus strand). Cytogenetic location: 1q23.3.
Variant type: single nucleotide variant.
Coding change: c.1059A>G on transcript NM_177398.4 (MANE Select); coding-DNA position 1059, A replaced by G.
Protein change: p.Leu353=; no amino-acid change (leucine 353 retained).
Molecular consequence: synonymous variant.
Genome position (GRCh38, 1-based): chr1:165,203,970, T>C on the plus strand (A>G on the coding strand, the complement: LMX1A is on the minus strand). VCF-style: chr1-165203970-T-C. GRCh37 (hg19) VCF-style: chr1-165173207-T-C.
Other names: c.1059A>G, p.Leu353= (NM_001174069.2); c.1059A>G (NM_001174069.1).
Identifiers: ClinVar variation 4920227 (VCV004920227.2).

ClinVar aggregate classification (germline): Likely benign. Review status: criteria provided, multiple submitters, no conflicts (2 of 4 stars). 2 submissions from 2 submitters: Likely benign (2). Last evaluated 2024-10-08.

Conditions:
LMX1A-related disorder. Also called: LMX1A-related condition.

gnomAD v4.1: 53 of 1,614,070 alleles (0.0033%); highest among the groups gnomAD compares: East Asian, 0.11%; no homozygotes.

Submissions (2):

PreventionGenetics, part of Exact Sciences
Classification: Likely benign for LMX1A-related condition. Last evaluated: 2024-10-08. Review status: criteria provided, single submitter. Criteria: ACMG Guidelines, 2015. Collection method: clinical testing. Allele origin: germline.
Comment: This variant is classified as likely benign based on ACMG/AMP sequence variant interpretation guidelines (Richards et al. 2015 PMID: 25741868, with internal and published modifications).

Blueprint Genetics
Classification: Likely benign. Last evaluated: 2023-07-13. Review status: criteria provided, single submitter. Criteria: ACMG Guidelines, 2015. Collection method: clinical testing. Allele origin: germline.